The following is an entry in ClinVar:

ClinVar aggregate classification (germline): Uncertain significance (1 of 4 stars; one submission).

Conditions:
Leukocyte adhesion deficiency type II. Also called: CONGENITAL DISORDER OF GLYCOSYLATION, TYPE IIc; CDG IIc; Congenital disorder of glycosylation type 2C; CDG 2C; Leukocyte adhesion deficiency type 2; Rambam Hasharon syndrome. Identifiers: Orphanet 2968, Orphanet 99843, MedGen C0398739, MONDO:0009953, OMIM 266265.

gnomAD v4.1: 3 of 1,614,128 alleles (0.00019%); highest among the groups gnomAD compares: Non-Finnish European, 0.00025%; no homozygotes.

Submission:

Labcorp Genetics (formerly Invitae), Labcorp
Classification: Uncertain significance for Leukocyte adhesion deficiency type II. Last evaluated: 2023-10-05. Review status: criteria provided, single submitter. Criteria: Invitae Variant Classification Sherloc (09022015). Collection method: clinical testing. Allele origin: germline.
Comment: This sequence change replaces serine, which is neutral and polar, with proline, which is neutral and non-polar, at codon 20 of the SLC35C1 protein (p.Ser20Pro). This variant is not present in population databases (gnomAD no frequency). This variant has not been reported in the literature in individuals affected with SLC35C1-related conditions. Algorithms developed to predict the effect of missense changes on protein structure and function output the following: SIFT: "Not Available"; PolyPhen-2: "Benign"; Align-GVGD: "Not Available". The proline amino acid residue is found in multiple mammalian species, which suggests that this missense change does not adversely affect protein function. In summary, the available evidence is currently insufficient to determine the role of this variant in disease. Therefore, it has been classified as a Variant of Uncertain Significance.

NM_018389.5(SLC35C1):c.58T>C (p.Ser20Pro)

Gene: SLC35C1 (solute carrier family 35 member C1; plus strand). Cytogenetic location: 11p11.2.
Variant type: single nucleotide variant.
Coding change: c.58T>C on transcript NM_018389.5 (MANE Select); coding-DNA position 58, T replaced by C.
Protein change: p.Ser20Pro; replaces serine 20 with proline.
Molecular consequence: missense variant.
Genome position (GRCh38, 1-based): chr11:45,805,859, T>C. VCF-style: chr11-45805859-T-C. GRCh37 (hg19) VCF-style: chr11-45827410-T-C.
Other names: c.19T>C, p.Ser7Pro (NM_001145265.2, NM_001145266.2, NM_001425156.1); c.58T>C, p.Ser20Pro (NM_001425155.1); short protein forms S20P, S7P.
Identifiers: ClinVar variation 2807192 (VCV002807192.3), dbSNP rs2085865383, ClinGen allele CA380202079.